The following is an entry in ClinVar:

Single allele

Variant type: Variation.
Identifiers: ClinVar variation 65949 (VCV000065949.2).

ClinVar aggregate classification (germline): Pathogenic (0 of 4 stars; one submission).

Conditions:
Central core myopathy (CMYO1A). Also called: Central core disease; Myopathy, central fibrillar; CONGENITAL MYOPATHY 1A, AUTOSOMAL DOMINANT, WITH SUSCEPTIBILITY TO MALIGNANT HYPERTHERMIA. Identifiers: Orphanet 597, MedGen C5830701, MONDO:0007294, OMIM 117000.

Submission:

GeneReviews
Classification: Pathogenic for Central Core Disease. Last evaluated: 2010-05-11. Review status: no assertion criteria provided. Collection method: curation. Allele origin: unknown.
ClinVar note: Converted during submission from pathologic to Pathogenic.